The following is an entry in ClinVar:

NM_004304.5(ALK):c.3745G>T (p.Asp1249Tyr)

Gene: ALK (ALK receptor tyrosine kinase; minus strand). Cytogenetic location: 2p23.2.
Variant type: single nucleotide variant.
Coding change: c.3745G>T on transcript NM_004304.5 (MANE Select); coding-DNA position 3745, G replaced by T.
Protein change: p.Asp1249Tyr; replaces aspartic acid 1249 with tyrosine.
Molecular consequence: missense variant.
Genome position (GRCh38, 1-based): chr2:29,209,877, C>A on the plus strand (G>T on the coding strand, the complement: ALK is on the minus strand). VCF-style: chr2-29209877-C-A. GRCh37 (hg19) VCF-style: chr2-29432743-C-A.
Other names: c.541G>T, p.Asp181Tyr (NM_001353765.2); short protein forms D1249Y, D181Y.
Identifiers: ClinVar variation 485088 (VCV000485088.6), dbSNP rs1553391522, ClinGen allele CA346469879.
Genomic context (GRCh38, chr2:29,209,877, plus strand): 5'-CAATCTTGGCCACTCTTCCAGGGCCTGGACAGGTCAAGAGGCAGTTTCTGGCAGCAATGT[C>A]TCTGGGAAGAAAGGAAATGCATTTCCTAATTTTATCCCTAGGAAGATGAGTGTACAACGG-3'
Protein context (NP_004295.2, residues 1239-1259): YLEENHFIHR[Asp1249Tyr]IAARNCLLTC

ClinVar aggregate classification (germline): Uncertain significance. Review status: criteria provided, multiple submitters, no conflicts (2 of 4 stars). 2 submissions from 2 submitters: Uncertain significance (2). Last evaluated 2023-07-16.

Conditions:
Hereditary cancer-predisposing syndrome. Also called: Hereditary neoplastic syndrome; Neoplastic Syndromes, Hereditary; Tumor predisposition; Hereditary Cancer Syndrome. Identifiers: Orphanet 140162, MedGen C0027672, MeSH D009386, MONDO:0015356.
Neuroblastoma, susceptibility to, 3. Also called: ALK-Related Neuroblastic Tumor Susceptibility. Identifiers: Orphanet 635, MedGen C2751681, MONDO:0013083, OMIM 613014.

Submissions (2):

Baylor Genetics
Classification: Uncertain significance for Neuroblastoma, susceptibility to, 3. Last evaluated: 2023-07-16. Review status: criteria provided, single submitter. Criteria: ACMG Guidelines, 2015. Collection method: clinical testing. Allele origin: unknown.

Ambry Genetics
Classification: Uncertain significance for Hereditary cancer-predisposing syndrome. Last evaluated: 2017-09-14. Review status: criteria provided, single submitter. Criteria: Ambry Variant Classification Scheme 2023. Collection method: clinical testing. Allele origin: germline.
Comment: The p.D1249Y variant (also known as c.3745G>T), located in coding exon 25 of the ALK gene, results from a G to T substitution at nucleotide position 3745. The aspartic acid at codon 1249 is replaced by tyrosine, an amino acid with highly dissimilar properties. This amino acid position is highly conserved in available vertebrate species. In addition, this alteration is predicted to be deleterious by in silico analysis. Since supporting evidence is limited at this time, the clinical significance of this alteration remains unclear.